The following is an entry in ClinVar:

ClinVar aggregate classification (germline): Pathogenic. Review status: criteria provided, multiple submitters, no conflicts (2 of 4 stars). 2 submissions from 2 submitters: Pathogenic (2). Last evaluated 2026-01-11.

Conditions:
Hereditary cancer-predisposing syndrome. Also called: Tumor predisposition; Hereditary Cancer Syndrome; Neoplastic Syndromes, Hereditary; Hereditary neoplastic syndrome. Identifiers: Orphanet 140162, MedGen C0027672, MeSH D009386, MONDO:0015356.

Submissions (2):

Labcorp Genetics (formerly Invitae), Labcorp
Classification: Pathogenic. Last evaluated: 2026-01-11. Review status: criteria provided, single submitter. Criteria: Invitae Variant Classification Sherloc (09022015). Collection method: clinical testing. Allele origin: germline.
Comment: This sequence change creates a premature translational stop signal (p.Val92Serfs*3) in the FH gene. It is expected to result in an absent or disrupted protein product. Loss-of-function variants in FH are known to be pathogenic (PMID: 11865300, 21398687). This variant is not present in population databases (gnomAD no frequency). This variant has not been reported in the literature in individuals affected with FH-related conditions. ClinVar contains an entry for this variant (Variation ID: 1795415). For these reasons, this variant has been classified as Pathogenic.

Ambry Genetics
Classification: Pathogenic for Hereditary cancer-predisposing syndrome. Last evaluated: 2022-08-01. Review status: criteria provided, single submitter. Criteria: Ambry Variant Classification Scheme 2023. Collection method: clinical testing. Allele origin: germline.
Comment: The c.273dupA pathogenic mutation, located in coding exon 3 of the FH gene, results from a duplication of A at nucleotide position 273, causing a translational frameshift with a predicted alternate stop codon (p.V92Sfs*3). This variant is considered to be rare based on population cohorts in the Genome Aggregation Database (gnomAD). This alteration is expected to result in loss of function by premature protein truncation or nonsense-mediated mRNA decay. As such, this alteration is interpreted as a disease-causing mutation.

Literature cited by the submitters: PubMed 11865300 (cited by Labcorp Genetics (formerly Invitae), Labcorp); PubMed 21398687 (cited by Labcorp Genetics (formerly Invitae), Labcorp).

NM_000143.4(FH):c.273dup (p.Val92fs)

Gene: FH (fumarate hydratase; minus strand). Cytogenetic location: 1q43.
Variant type: Duplication.
Coding change: c.273dup on transcript NM_000143.4 (MANE Select); coding-DNA position 273, one base duplicated (A; older notation c.273dupA).
Protein change: p.Val92fs; shifts the reading frame from valine 92.
Molecular consequence: frameshift variant.
Genome position (GRCh38, 1-based): chr1:241,513,708, T duplicated on the plus strand (A on the coding strand, the reverse complement: FH is on the minus strand). VCF-style (leftmost placement, unchanged base first): chr1-241513707-C-CT. GRCh37 (hg19) VCF-style: chr1-241677007-C-CT.
Other names: c.273dupA (NM_000143.3); short protein forms V92fs.
Identifiers: ClinVar variation 1795415 (VCV001795415.3), dbSNP rs2527335338, ClinGen allele CA2580063465.
Genomic context (GRCh38, chr1:241,513,707, plus strand): 5'-GACCATAATCCTGGTTTACTTCAGCGGCCGCTCGCTTCAAGATGCCAAAAGCTTTAATAA[C>CT]TGGGGTCTAAAATTAATCAGAAAAATATTTCAAATTTACAATTTTACTTAAGCATGGAAG-3'